The following is an entry in ClinVar:

NM_001195248.2(APTX):c.229dup (p.Gln77fs)

Gene: APTX (aprataxin; minus strand). Cytogenetic location: 9p21.1.
Variant type: Duplication.
Coding change: c.229dup on transcript NM_001195248.2 (MANE Select); coding-DNA position 229, one base duplicated (C; older notation c.229dupC).
Protein change: p.Gln77fs; shifts the reading frame from glutamine 77.
Molecular consequence: frameshift variant. On other transcripts: 5 prime UTR variant (8), non-coding transcript variant (3), intron variant (4).
Genome position (GRCh38, 1-based): chr9:32,987,798, G duplicated on the plus strand (C on the coding strand, the reverse complement: APTX is on the minus strand); the first of 2 consecutive G bases (chr9:32,987,798-32,987,799); duplicating either gives the same sequence. VCF-style (leftmost placement, unchanged base first): chr9-32987797-T-TG. GRCh37 (hg19) VCF-style: chr9-32987795-T-TG.
Other names: c.-36dup (NM_001369003.1, NM_001369004.1, NM_001369005.1 and 5 more transcripts); c.229dup, p.Gln77fs (NM_175069.3, NM_175073.3, NM_001195249.2 and 7 more transcripts); c.134-67dup (NM_001369001.1, NM_001369000.1, NM_001195250.2 and 1 more transcripts); short protein forms Q77fs.
Identifiers: ClinVar variation 2821016 (VCV002821016.3), dbSNP rs2489584021, ClinGen allele CA2739269180.

ClinVar aggregate classification (germline): Pathogenic (1 of 4 stars; one submission).

Submission:

Labcorp Genetics (formerly Invitae), Labcorp
Classification: Pathogenic. Last evaluated: 2022-12-15. Review status: criteria provided, single submitter. Criteria: Invitae Variant Classification Sherloc (09022015). Collection method: clinical testing. Allele origin: germline.
Comment: For these reasons, this variant has been classified as Pathogenic. This variant has not been reported in the literature in individuals affected with APTX-related conditions. This variant is not present in population databases (gnomAD no frequency). This sequence change creates a premature translational stop signal (p.Gln77Profs*16) in the APTX gene. It is expected to result in an absent or disrupted protein product. Loss-of-function variants in APTX are known to be pathogenic (PMID: 15719174, 21465257, 23183622, 26285866).

Literature cited by the submitters: PubMed 15719174; PubMed 21465257; PubMed 23183622; PubMed 26285866.